The following is an entry in ClinVar:

NM_000214.3(JAG1):c.527_532delinsAT (p.Val176fs)

Gene: JAG1 (jagged canonical Notch ligand 1; minus strand). Cytogenetic location: 20p12.2.
Variant type: Indel.
Coding change: c.527_532delinsAT on transcript NM_000214.3 (MANE Select); coding-DNA positions 527 to 532, TTGCCC replaced by AT.
Protein change: p.Val176fs; shifts the reading frame from valine 176.
Molecular consequence: frameshift variant.
Genome position (GRCh38, 1-based): chr20:10,658,630-10,658,635, GGGCAA replaced by AT on the plus strand (TTGCCC replaced by AT on the coding strand, the reverse complement: JAG1 is on the minus strand). VCF-style: chr20-10658630-GGGCAA-AT. GRCh37 (hg19) VCF-style: chr20-10639278-GGGCAA-AT.
Other names: short protein forms V176fs.
Identifiers: ClinVar variation 3350128 (VCV003350128.1).

ClinVar aggregate classification (germline): Likely pathogenic (0 of 4 stars; one submission).

Conditions:
JAG1-related disorder. Also called: JAG1-related disorders; JAG1-related condition.

Submission:

PreventionGenetics, part of Exact Sciences
Classification: Likely pathogenic for JAG1-related condition. Last evaluated: 2024-03-07. Review status: no assertion criteria provided. Collection method: clinical testing. Allele origin: germline.
Comment: The JAG1 c.527_532delinsAT variant is predicted to result in a frameshift and premature protein termination (p.Val176Aspfs*9). To our knowledge, this variant has not been reported in the literature or in a large population database, indicating this variant is rare. Frameshift variants in JAG1 are expected to be pathogenic. This variant is interpreted as likely pathogenic.